The following is an entry in ClinVar:

ClinVar aggregate classification (germline): Uncertain significance (1 of 4 stars; one submission).

Submission:

Labcorp Genetics (formerly Invitae), Labcorp
Classification: Uncertain significance. Last evaluated: 2025-04-12. Review status: criteria provided, single submitter. Criteria: Invitae Variant Classification Sherloc (09022015). Collection method: clinical testing. Allele origin: germline.
Comment: This sequence change replaces leucine, which is neutral and non-polar, with valine, which is neutral and non-polar, at codon 6 of the GAS1 protein (p.Leu6Val). This variant is present in population databases (no rsID available, gnomAD 0.01%). This missense change has been observed in individual(s) with holoprosencephaly (PMID: 21842183). Experimental studies and prediction algorithms are not available or were not evaluated, and the functional significance of this variant is currently unknown. In summary, the available evidence is currently insufficient to determine the role of this variant in disease. Therefore, it has been classified as a Variant of Uncertain Significance.

Literature cited by the submitters: PubMed 21842183.

NM_002048.3(GAS1):c.16C>G (p.Leu6Val)

Gene: GAS1 (growth arrest specific 1; minus strand). Cytogenetic location: 9q21.33.
Variant type: single nucleotide variant.
Coding change: c.16C>G on transcript NM_002048.3 (MANE Select); coding-DNA position 16, C replaced by G.
Protein change: p.Leu6Val; replaces leucine 6 with valine.
Molecular consequence: missense variant.
Genome position (GRCh38, 1-based): chr9:86,946,764, G>C on the plus strand (C>G on the coding strand, the complement: GAS1 is on the minus strand). VCF-style: chr9-86946764-G-C. GRCh37 (hg19) VCF-style: chr9-89561679-G-C.
Other names: short protein forms L6V.
Identifiers: ClinVar variation 4753016 (VCV004753016.1).
Genomic context (GRCh38, chr9:86,946,764, plus strand): 5'-CCATCAGGCACAGCCAGGCGCCCGGCACTGTCCCCCCGCGGGCCTCGCCGCCGCCGCCCA[G>C]CAGCGCGGCCACCATCGCGGGCAGCGGCGGCCGCCGGGAGAGGAGGGGAAAGGAGACGAG-3'
Protein context (NP_002039.2, residues 1-16): MVAAL[Leu6Val]GGGGEARGGT